The following is an entry in ClinVar:

NM_001367721.1(CASK):c.2296C>T (p.Arg766Trp)

Gene: CASK (calcium/calmodulin dependent serine protein kinase; minus strand). Cytogenetic location: Xp11.4.
Variant type: single nucleotide variant.
Coding change: c.2296C>T on transcript NM_001367721.1 (MANE Select); coding-DNA position 2296, C replaced by T.
Protein change: p.Arg766Trp; replaces arginine 766 with tryptophan.
Molecular consequence: missense variant.
Genome position (GRCh38, 1-based): chrX:41,534,727, G>A on the plus strand (C>T on the coding strand, the complement: CASK is on the minus strand). VCF-style: chrX-41534727-G-A. GRCh37 (hg19) VCF-style: chrX-41393980-G-A.
Other names: c.2212C>T, p.Arg738Trp (NM_001126054.3); c.2209C>T, p.Arg737Trp (NM_001126055.3); c.2278C>T, p.Arg760Trp (NM_001410745.1); c.2281C>T, p.Arg761Trp (NM_003688.4); short protein forms R761W, R766W, R737W, R738W, R760W.
Identifiers: ClinVar variation 1788946 (VCV001788946.8), dbSNP rs373953251, ClinGen allele CA10390045.

ClinVar aggregate classification (germline): Uncertain significance. Review status: criteria provided, multiple submitters, no conflicts (2 of 4 stars). 4 submissions from 4 submitters: Uncertain significance (4). Last evaluated 2023-12-21.

Conditions:
Inborn genetic diseases. Identifiers: MedGen C0950123, MeSH D030342.
Syndromic X-linked intellectual disability Najm type (MICPCH). Also called: Intellectual Disability and Microcephaly with Pontine and Cerebellar Hypoplasia (MICPCH); Mental retardation and microcephaly with pontine and cerebellar hypoplasia; MENTAL RETARDATION, X-LINKED, SYNDROMIC, NAJM TYPE; MICPCH SYNDROME; Intellectual developmental disorder and microcephaly with pontine and cerebellar hypoplasia; Intellectual Disability and Microcephaly with Pontine and Cerebellar Hypoplasia. Identifiers: Orphanet 163937, MedGen C2677903, MONDO:0010417, OMIM 300749.
Intellectual disability, CASK-related, X-linked. Identifiers: MedGen CN043158.

Allele frequency attached by ClinVar (database versions not stated): gnomAD exomes below 0.00001; gnomAD 0.00001.
gnomAD v4.1: 5 of 1,205,410 alleles (0.00041%); highest among the groups gnomAD compares: South Asian, 0.0018%; no homozygotes.

Submissions (4):

Victorian Clinical Genetics Services, Murdoch Childrens Research Institute
Classification: Uncertain significance for Syndromic X-linked intellectual disability Najm type. Last evaluated: 2023-12-21. Review status: criteria provided, single submitter. Criteria: ACMG Guidelines, 2015. Collection method: clinical testing. Allele origin: germline. Inheritance: X-linked dominant inheritance. Affected: yes.
Comment: Based on the classification scheme VCGS_Germline_v1.3.4, this variant is classified as VUS-3B. Following criteria are met: 0102 - Loss of function is a known mechanism of disease in this gene and is associated with intellectual developmental disorder and microcephaly with pontine and cerebellar hypoplasia (MIM#300749) and intellectual disability with or without nystagmus (MIM#300422). (I) 0110 - This gene is associated with X-linked disease. However, intellectual developmental disorder, with or without nystagmus (MIM#300422) is associated with hypomorphic variants that typically cause symptoms in hemizygous males but not in heterozygous females (PMID: 24278995). (I) 0200 - Variant is predicted to result in a missense amino acid change from arginine to tryptophan. (I) 0251 - This variant is heterozygous. (I) 0302 - Variant is present in gnomAD (v2) <0.001 for a dominant condition (3 heterozygotes, 0 homozygotes, 0 hemizygotes). (SP) 0309 - Multiple alternative amino acid changes at the same position have been observed in gnomAD (v3 highest allele count: 47 heterozygotes, 0 homozygotes, 10 hemizygotes). (I) 0501 - Missense variant consistently predicted to be damaging by multiple in silico tools or highly conserved with a major amino acid change. (SP) 0600 - Variant is located in the annotated Guanylate kinase domain (DECIPHER). (I) 0705 - No comparable missense variants have previous evidence for pathogenicity. (I) 0808 - Previous reports of pathogenicity for this variant are conflicting. This variant has previously been reported three times as a variant of unknown significance in ClinVar and once as likely benign in LOVD (ClinVar, LOVD). (I) 0905 - No published segregation evidence has been identified for this variant. (I) 1007 - No published functional evidence has been identified for this variant. (SP) Legend: (SP) - Supporting pathogenic, (I) - Information, (SB) - Supporting benign

GeneDx
Classification: Uncertain significance. Last evaluated: 2023-01-30. Review status: criteria provided, single submitter. Criteria: GeneDx Variant Classification Process June 2021. Collection method: clinical testing. Allele origin: germline. Affected: yes.
Comment: In silico analysis supports that this missense variant has a deleterious effect on protein structure/function; Has not been previously published as pathogenic or benign to our knowledge

Labcorp Genetics (formerly Invitae), Labcorp
Classification: Uncertain significance for Intellectual disability, CASK-related, X-linked. Last evaluated: 2022-08-22. Review status: criteria provided, single submitter. Criteria: Invitae Variant Classification Sherloc (09022015). Collection method: clinical testing. Allele origin: germline.
Comment: This sequence change replaces arginine, which is basic and polar, with tryptophan, which is neutral and slightly polar, at codon 761 of the CASK protein (p.Arg761Trp). This variant is present in population databases (rs373953251, gnomAD 0.005%). In summary, the available evidence is currently insufficient to determine the role of this variant in disease. Therefore, it has been classified as a Variant of Uncertain Significance. Algorithms developed to predict the effect of missense changes on protein structure and function (SIFT, PolyPhen-2, Align-GVGD) all suggest that this variant is likely to be disruptive. This variant has not been reported in the literature in individuals affected with CASK-related conditions.

Ambry Genetics
Classification: Uncertain significance for Inborn genetic diseases. Last evaluated: 2018-06-25. Review status: criteria provided, single submitter. Criteria: Ambry Variant Classification Scheme 2023. Collection method: clinical testing. Allele origin: germline.
Comment: The p.R761W variant (also known as c.2281C>T), located in coding exon 24 of the CASK gene, results from a C to T substitution at nucleotide position 2281. The arginine at codon 761 is replaced by tryptophan, an amino acid with dissimilar properties. This amino acid position is highly conserved in available vertebrate species. In addition, this alteration is predicted to be deleterious by in silico analysis. Since supporting evidence is limited at this time, the clinical significance of this alteration remains unclear.

Literature cited by the submitters: PubMed 24278995 (cited by Victorian Clinical Genetics Services, Murdoch Childrens Research Institute).